The following is an entry in ClinVar:

NM_003000.3(SDHB):c.772A>C (p.Asn258His)

Gene: SDHB (succinate dehydrogenase complex iron sulfur subunit B; minus strand). Cytogenetic location: 1p36.13.
Variant type: single nucleotide variant.
Coding change: c.772A>C on transcript NM_003000.3 (MANE Select); coding-DNA position 772, A replaced by C.
Protein change: p.Asn258His; replaces asparagine 258 with histidine.
Molecular consequence: missense variant.
Genome position (GRCh38, 1-based): chr1:17,018,952, T>G on the plus strand (A>C on the coding strand, the complement: SDHB is on the minus strand). VCF-style: chr1-17018952-T-G. GRCh37 (hg19) VCF-style: chr1-17345447-T-G.
Other names: short protein forms N258H.
Identifiers: ClinVar variation 1043740 (VCV001043740.5), dbSNP rs2077946345, ClinGen allele CA338269042.

ClinVar aggregate classification (germline): Uncertain significance (1 of 4 stars; one submission).

Conditions:
Pheochromocytoma. Also called: MAX-Related Hereditary Paraganglioma-Pheochromocytoma Syndrome. Identifiers: Orphanet 29072, MedGen C0031511, MONDO:0008233, OMIM 171300, HP:0002666.
Gastrointestinal stromal tumor. Also called: Gastrointestinal stromal tumor, somatic; Gastrointestinal stroma tumor. Identifiers: Orphanet 44890, MedGen C0238198, MeSH D046152, MONDO:0011719, OMIM 606764, HP:0100723.
Pheochromocytoma/paraganglioma syndrome 4. Also called: CAROTID BODY TUMORS AND MULTIPLE EXTRAADRENAL PHEOCHROMOCYTOMAS; SDHB-Related Hereditary Paraganglioma-Pheochromocytoma Syndrome (Paragangliomas 4); Paragangliomas 4; SDHB-Related Hereditary Paraganglioma-Pheochromocytoma Syndrome; PARAGANGLIOMA, FAMILIAL MALIGNANT; PARAGANGLIOMAS, HEREDITARY EXTRAADRENAL. Identifiers: Orphanet 29072, MedGen C1861848, MONDO:0007273, OMIM 115310.

Submission:

Labcorp Genetics (formerly Invitae), Labcorp
Classification: Uncertain significance for Gastrointestinal stromal tumor; Pheochromocytoma/paraganglioma syndrome 4; Pheochromocytoma. Last evaluated: 2020-09-16. Review status: criteria provided, single submitter. Criteria: Invitae Variant Classification Sherloc (09022015). Collection method: clinical testing. Allele origin: germline.
Comment: Advanced modeling of protein sequence and biophysical properties (such as structural, functional, and spatial information, amino acid conservation, physicochemical variation, residue mobility, and thermodynamic stability) performed at Invitae indicates that this missense variant is expected to disrupt SDHB protein function. In summary, the available evidence is currently insufficient to determine the role of this variant in disease. Therefore, it has been classified as a Variant of Uncertain Significance. This variant has not been reported in the literature in individuals with SDHB-related conditions. This variant is not present in population databases (ExAC no frequency). This sequence change replaces asparagine with histidine at codon 258 of the SDHB protein (p.Asn258His). The asparagine residue is highly conserved and there is a small physicochemical difference between asparagine and histidine.